The following is an entry in ClinVar:

ClinVar aggregate classification (germline): Uncertain significance (1 of 4 stars; one submission).

Conditions:
Nemaline myopathy 2 (NEM2). Also called: Nemaline myopathy 2, autosomal recessive. Identifiers: MedGen C1850569, MONDO:0009725, OMIM 256030.

Allele frequency attached by ClinVar (database versions not stated): gnomAD exomes below 0.00001.
gnomAD v4.1: 3 of 1,607,966 alleles (0.00019%); highest among the groups gnomAD compares: Non-Finnish European, 0.00026%; no homozygotes.

Submission:

Labcorp Genetics (formerly Invitae), Labcorp
Classification: Uncertain significance for Nemaline myopathy 2. Last evaluated: 2022-05-04. Review status: criteria provided, single submitter. Criteria: Invitae Variant Classification Sherloc (09022015). Collection method: clinical testing. Allele origin: germline.
Comment: This sequence change replaces asparagine, which is neutral and polar, with aspartic acid, which is acidic and polar, at codon 5730 of the NEB protein (p.Asn5730Asp). This variant is not present in population databases (gnomAD no frequency). This variant has not been reported in the literature in individuals affected with NEB-related conditions. Algorithms developed to predict the effect of missense changes on protein structure and function are either unavailable or do not agree on the potential impact of this missense change (SIFT: "Deleterious"; PolyPhen-2: "Not Available"; Align-GVGD: "Class C0"). In summary, the available evidence is currently insufficient to determine the role of this variant in disease. Therefore, it has been classified as a Variant of Uncertain Significance.

NM_001164508.2(NEB):c.17188A>G (p.Asn5730Asp)

Gene: NEB (nebulin; minus strand). Cytogenetic location: 2q23.3.
Variant type: single nucleotide variant.
Coding change: c.17188A>G on transcript NM_001164508.2 (MANE Select); coding-DNA position 17188, A replaced by G.
Protein change: p.Asn5730Asp; replaces asparagine 5730 with aspartic acid.
Molecular consequence: missense variant.
Genome position (GRCh38, 1-based): chr2:151,570,323, T>C on the plus strand (A>G on the coding strand, the complement: NEB is on the minus strand). VCF-style: chr2-151570323-T-C. GRCh37 (hg19) VCF-style: chr2-152426837-T-C.
Other names: c.17188A>G, p.Asn5730Asp (NM_001164507.2, NM_001271208.2); c.12085A>G, p.Asn4029Asp (NM_004543.5); short protein forms N5730D, N4029D.
Identifiers: ClinVar variation 2147351 (VCV002147351.1), dbSNP rs2096579718, ClinGen allele CA348808287.